The following is an entry in ClinVar:

NM_001206927.2(DNAH8):c.7919C>T (p.Pro2640Leu)

Gene: DNAH8 (dynein axonemal heavy chain 8; plus strand). Cytogenetic location: 6p21.2.
Variant type: single nucleotide variant.
Coding change: c.7919C>T on transcript NM_001206927.2 (MANE Select); coding-DNA position 7919, C replaced by T.
Protein change: p.Pro2640Leu; replaces proline 2640 with leucine.
Molecular consequence: missense variant.
Genome position (GRCh38, 1-based): chr6:38,882,970, C>T. VCF-style: chr6-38882970-C-T. GRCh37 (hg19) VCF-style: chr6-38850746-C-T.
Other names: c.7268C>T, p.Pro2423Leu (NM_001371.4); short protein forms P2640L, P2423L.
Identifiers: ClinVar variation 2872588 (VCV002872588.2), dbSNP rs369613804, ClinGen allele CA3790046.
Genomic context (GRCh38, chr6:38,882,970, plus strand): 5'-GTGATTGGGAGCACTGGAATAAGAAACTTCAGCCTTATTATTATCCAACTGACAGTATTC[C>T]GGAATATTCATCAATTTTGGTTCCAAATGTTGACAATATTAGAACAAATTTTTTGATAGA-3'
Protein context (NP_001193856.1, residues 2630-2650): QPYYYPTDSI[Pro2640Leu]EYSSILVPNV

ClinVar aggregate classification (germline): Uncertain significance (1 of 4 stars; one submission).

Conditions:
Primary ciliary dyskinesia. Also called: Ciliary dyskinesia. Identifiers: Orphanet 244, MedGen C0008780, MONDO:0016575, HP:0012265.

Allele frequency attached by ClinVar (database versions not stated): gnomAD exomes 0.00004; ESP Exome Variant Server 0.00008; ExAC 0.00009; gnomAD 0.00010; TOPMed 0.00011.
gnomAD v4.1: 67 of 1,604,506 alleles (0.0042%); highest among the groups gnomAD compares: Middle Eastern, 0.033%; no homozygotes.

Submission:

Labcorp Genetics (formerly Invitae), Labcorp
Classification: Uncertain significance for Primary ciliary dyskinesia. Last evaluated: 2025-01-05. Review status: criteria provided, single submitter. Criteria: Invitae Variant Classification Sherloc (09022015). Collection method: clinical testing. Allele origin: germline.
Comment: This sequence change replaces proline, which is neutral and non-polar, with leucine, which is neutral and non-polar, at codon 2640 of the DNAH8 protein (p.Pro2640Leu). This variant is present in population databases (rs369613804, gnomAD 0.04%). This variant has not been reported in the literature in individuals affected with DNAH8-related conditions. ClinVar contains an entry for this variant (Variation ID: 2872588). Invitae Evidence Modeling of protein sequence and biophysical properties (such as structural, functional, and spatial information, amino acid conservation, physicochemical variation, residue mobility, and thermodynamic stability) indicates that this missense variant is not expected to disrupt DNAH8 protein function with a negative predictive value of 80%. In summary, the available evidence is currently insufficient to determine the role of this variant in disease. Therefore, it has been classified as a Variant of Uncertain Significance.